The following is an entry in ClinVar:

NM_005173.4(ATP2A3):c.*19A>G

Gene: ATP2A3 (ATPase sarcoplasmic/endoplasmic reticulum Ca2+ transporting 3; minus strand). Cytogenetic location: 17p13.2.
Variant type: single nucleotide variant.
Coding change: c.*19A>G on transcript NM_005173.4 (MANE Select); 19 bases downstream of the stop codon, A replaced by G.
Molecular consequence: 3 prime UTR variant. On other transcripts: missense variant (1).
Genome position (GRCh38, 1-based): chr17:3,925,403, T>C on the plus strand (A>G on the coding strand, the complement: ATP2A3 is on the minus strand). VCF-style: chr17-3925403-T-C. GRCh37 (hg19) VCF-style: chr17-3828697-T-C.
Other names: c.*19A>G (NM_174953.3, NM_174957.3); c.*30A>G (NM_174954.3, NM_174956.3, NM_174958.3); c.3107A>G, p.Glu1036Gly (NM_174955.3); short protein forms E1036G.
Identifiers: ClinVar variation 3040838 (VCV003040838.2), dbSNP rs79980163, ClinGen allele CA8296588.

ClinVar aggregate classification (germline): Benign (0 of 4 stars; one submission).

Conditions:
ATP2A3-related disorder. Also called: ATP2A3-related condition.

Allele frequency attached by ClinVar (database versions not stated): ExAC 0.00114; gnomAD 0.00327; TOPMed 0.00358; ESP Exome Variant Server 0.00384; 1000 Genomes Project 0.00399; 1000 Genomes Project 30x 0.00484.
gnomAD v4.1: 1,018 of 1,613,864 alleles (0.063%); highest among the groups gnomAD compares: African/African-American, 1.2%; 10 homozygotes.

Submission:

PreventionGenetics, part of Exact Sciences
Classification: Benign for ATP2A3-related condition. Last evaluated: 2019-02-22. Review status: no assertion criteria provided. Collection method: clinical testing. Allele origin: germline.
Comment: This variant is classified as benign based on ACMG/AMP sequence variant interpretation guidelines (Richards et al. 2015 PMID: 25741868, with internal and published modifications).